The following is an entry in ClinVar:

ClinVar aggregate classification (germline): Uncertain significance. Review status: criteria provided, single submitter (1 of 4 stars). 2 submissions from 2 submitters: Uncertain significance (1). 1 of the submissions does not count toward it. Last evaluated 2021-11-04.

Conditions:
Nemaline myopathy 7 (NEM7). Also called: Nemaline myopathy 7, autosomal recessive. Identifiers: Orphanet 171436, MedGen C1853154, MONDO:0012538, OMIM 610687.
Muscle weakness. Identifiers: MedGen C0151786, HP:0001324.

Submissions (2):

Labcorp Genetics (formerly Invitae), Labcorp
Classification: Uncertain significance for Nemaline myopathy 7. Last evaluated: 2021-11-04. Review status: criteria provided, single submitter. Criteria: Invitae Variant Classification Sherloc (09022015). Collection method: clinical testing. Allele origin: germline.
Comment: This sequence change replaces alanine, which is neutral and non-polar, with glycine, which is neutral and non-polar, at codon 118 of the CFL2 protein (p.Ala118Gly). This variant is not present in population databases (gnomAD no frequency). This variant has not been reported in the literature in individuals affected with CFL2-related conditions. ClinVar contains an entry for this variant (Variation ID: 689581). Algorithms developed to predict the effect of missense changes on protein structure and function (SIFT, PolyPhen-2, Align-GVGD) all suggest that this variant is likely to be disruptive. Algorithms developed to predict the effect of sequence changes on RNA splicing suggest that this variant may create or strengthen a splice site. In summary, the available evidence is currently insufficient to determine the role of this variant in disease. Therefore, it has been classified as a Variant of Uncertain Significance.

Institute of Human Genetics, University of Wuerzburg
Classification: Uncertain significance for Muscle weakness. Review status: no assertion criteria provided. Collection method: clinical testing. Allele origin: unknown. Not counted in ClinVar's aggregate classification.

NM_138638.5(CFL2):c.353C>G (p.Ala118Gly)

Gene: CFL2 (cofilin 2; minus strand). Cytogenetic location: 14q13.1.
Variant type: single nucleotide variant.
Coding change: c.353C>G on transcript NM_138638.5 (MANE Select); coding-DNA position 353, C replaced by G.
Protein change: p.Ala118Gly; replaces alanine 118 with glycine.
Molecular consequence: missense variant. On other transcripts: non-coding transcript variant (2).
Genome position (GRCh38, 1-based): chr14:34,713,095, G>C on the plus strand (C>G on the coding strand, the complement: CFL2 is on the minus strand). VCF-style: chr14-34713095-G-C. GRCh37 (hg19) VCF-style: chr14-35182301-G-C.
Other names: c.302C>G, p.Ala101Gly (NM_001243645.2); c.353C>G, p.Ala118Gly (NM_021914.8); short protein forms A101G, A118G.
Identifiers: ClinVar variation 689581 (VCV000689581.6), dbSNP rs865927835, ClinGen allele CA389421265.
Genomic context (GRCh38, chr14:34,713,095, plus strand): 5'-CTGCCCCAAATATTCAAGTTTGTACCTGTAAATTTCTTTTTAATGGCATCTTTAGAGCTA[G>C]CATAAATCATCTTGCTTTTTAAAGGTGCACTTTCAGGAGCCCTACAGAAAAAAAAAAAAT-3'
Protein context (NP_619579.1, residues 108-128): SAPLKSKMIY[Ala118Gly]SSKDAIKKKF